The following is an entry in ClinVar:

NM_014423.4(AFF4):c.17G>A (p.Arg6Gln)

Gene: AFF4 (ALF transcription elongation factor 4; minus strand). Cytogenetic location: 5q31.1.
Variant type: single nucleotide variant.
Coding change: c.17G>A on transcript NM_014423.4 (MANE Select); coding-DNA position 17, G replaced by A.
Protein change: p.Arg6Gln; replaces arginine 6 with glutamine.
Molecular consequence: missense variant.
Genome position (GRCh38, 1-based): chr5:132,937,173, C>T on the plus strand (G>A on the coding strand, the complement: AFF4 is on the minus strand). VCF-style: chr5-132937173-C-T. GRCh37 (hg19) VCF-style: chr5-132272865-C-T.
Other names: short protein forms R6Q.
Identifiers: ClinVar variation 4983517 (VCV004983517.1).

ClinVar aggregate classification (germline): Uncertain significance (1 of 4 stars; one submission).

Conditions:
AFF4-related disorder. Also called: AFF4-related condition.

gnomAD v4.1: 3 of 1,612,184 alleles (0.00019%); highest among the groups gnomAD compares: South Asian, 0.0011%; no homozygotes.

Submission:

PreventionGenetics, part of Exact Sciences
Classification: Uncertain significance for AFF4-related condition. Last evaluated: 2025-10-23. Review status: criteria provided, single submitter. Criteria: ACMG Guidelines, 2015. Collection method: clinical testing. Allele origin: germline.
Comment: The AFF4 c.17G>A variant is predicted to result in the amino acid substitution p.Arg6Gln. To our knowledge, this variant has not been reported in the literature or in gnomAD, indicating this variant is rare. At this time, the clinical significance of this variant is uncertain due to the absence of conclusive functional and genetic evidence.